The following is an entry in ClinVar:

NM_013314.4(BLNK):c.377A>G (p.Gln126Arg)

Gene: BLNK (B cell linker; minus strand). Cytogenetic location: 10q24.1.
Variant type: single nucleotide variant.
Coding change: c.377A>G on transcript NM_013314.4 (MANE Select); coding-DNA position 377, A replaced by G.
Protein change: p.Gln126Arg; replaces glutamine 126 with arginine.
Molecular consequence: missense variant. On other transcripts: non-coding transcript variant (1), intron variant (1).
Genome position (GRCh38, 1-based): chr10:96,223,974, T>C on the plus strand (A>G on the coding strand, the complement: BLNK is on the minus strand). VCF-style: chr10-96223974-T-C. GRCh37 (hg19) VCF-style: chr10-97983730-T-C.
Other names: c.377A>G, p.Gln126Arg (NM_001114094.2, NM_001258440.2, NM_001258441.2); c.349+3448A>G (NM_001258442.2); short protein forms Q126R.
Identifiers: ClinVar variation 1024554 (VCV001024554.6), dbSNP rs1313837045, ClinGen allele CA377724882.

ClinVar aggregate classification (germline): Uncertain significance (1 of 4 stars; one submission).

Conditions:
Agammaglobulinemia 4, autosomal recessive (AGM4). Also called: AGAMMAGLOBULINEMIA, AUTOSOMAL RECESSIVE, DUE TO BLNK DEFECT; B cell linker protein deficiency. Identifiers: MedGen C3150752, MONDO:0013289, OMIM 613502.

Allele frequency attached by ClinVar (database versions not stated): gnomAD exomes below 0.00001; TOPMed 0.00001.
gnomAD v4.1: 1 of 1,612,980 alleles (0.000062%); highest among the groups gnomAD compares: Non-Finnish European, 0.000085%; no homozygotes.

Submission:

Labcorp Genetics (formerly Invitae), Labcorp
Classification: Uncertain significance for Agammaglobulinemia 4, autosomal recessive. Last evaluated: 2024-01-09. Review status: criteria provided, single submitter. Criteria: Invitae Variant Classification Sherloc (09022015). Collection method: clinical testing. Allele origin: germline.
Comment: This sequence change replaces glutamine, which is neutral and polar, with arginine, which is basic and polar, at codon 126 of the BLNK protein (p.Gln126Arg). This variant is not present in population databases (gnomAD no frequency). This variant has not been reported in the literature in individuals affected with BLNK-related conditions. ClinVar contains an entry for this variant (Variation ID: 1024554). Advanced modeling of protein sequence and biophysical properties (such as structural, functional, and spatial information, amino acid conservation, physicochemical variation, residue mobility, and thermodynamic stability) performed at Invitae indicates that this missense variant is not expected to disrupt BLNK protein function with a negative predictive value of 80%. In summary, the available evidence is currently insufficient to determine the role of this variant in disease. Therefore, it has been classified as a Variant of Uncertain Significance.